The following is an entry in ClinVar:

NM_005004.4(NDUFB8):c.212+3G>A

Gene: NDUFB8 (NADH:ubiquinone oxidoreductase subunit B8; minus strand). Cytogenetic location: 10q24.31.
Variant type: single nucleotide variant.
Coding change: c.212+3G>A on transcript NM_005004.4 (MANE Select); 3 bases into the intron after coding-DNA position 212, G replaced by A.
Molecular consequence: intron variant.
Genome position (GRCh38, 1-based): chr10:100,529,377, C>T on the plus strand (G>A on the coding strand, the complement: NDUFB8 is on the minus strand). VCF-style: chr10-100529377-C-T. GRCh37 (hg19) VCF-style: chr10-102289134-C-T.
Other names: c.119+3G>A (NM_001284368.1); c.212+3G>A (NM_001284367.2).
Identifiers: ClinVar variation 3036133 (VCV003036133.2), dbSNP rs371084723, ClinGen allele CA5650229.

ClinVar aggregate classification (germline): Likely benign (0 of 4 stars; one submission).

Conditions:
NDUFB8-related disorder. Also called: NDUFB8-related condition.

Allele frequency attached by ClinVar (database versions not stated): gnomAD exomes below 0.00001; ExAC 0.00008; TOPMed 0.00009; gnomAD 0.00012; ESP Exome Variant Server 0.00023; 1000 Genomes Project 30x 0.00109; 1000 Genomes Project 0.00120.
gnomAD v4.1: 26 of 1,605,118 alleles (0.0016%); highest among the groups gnomAD compares: African/African-American, 0.031%; no homozygotes.

Submission:

PreventionGenetics, part of Exact Sciences
Classification: Likely benign for NDUFB8-related condition. Last evaluated: 2020-06-25. Review status: no assertion criteria provided. Collection method: clinical testing. Allele origin: germline.
Comment: This variant is classified as likely benign based on ACMG/AMP sequence variant interpretation guidelines (Richards et al. 2015 PMID: 25741868, with internal and published modifications).